The following is an entry in ClinVar:

ClinVar aggregate classification (germline): Likely benign. Review status: criteria provided, multiple submitters, no conflicts (2 of 4 stars). 3 submissions from 3 submitters: Likely benign (3). Last evaluated 2025-12-03.

Conditions:
MARS1-related disorder. Also called: MARS1-related condition.
Charcot-Marie-Tooth disease axonal type 2U. Also called: CHARCOT-MARIE-TOOTH NEUROPATHY, TYPE 2U; CHARCOT-MARIE-TOOTH DISEASE, AXONAL, AUTOSOMAL DOMINANT, TYPE 2U. Identifiers: Orphanet 397735, MedGen C4084821, MONDO:0014566, OMIM 616280.
Severe early-onset pulmonary alveolar proteinosis due to MARS deficiency. Also called: PULMONARY ALVEOLAR PROTEINOSIS, REUNION ISLAND; Interstitial lung and liver disease. Identifiers: Orphanet 440427, MedGen C4225400, MONDO:0014206, OMIM 615486.

Allele frequency attached by ClinVar (database versions not stated): gnomAD exomes 0.00002 and 0.00004; ExAC 0.00006; gnomAD 0.00035 and 0.00036; 1000 Genomes Project 30x 0.00047; 1000 Genomes Project 0.00060; TOPMed 0.00083.
gnomAD v4.1: 94 of 1,614,068 alleles (0.0058%); highest among the groups gnomAD compares: Admixed American, 0.12%; 2 homozygotes.

Submissions (3):

Labcorp Genetics (formerly Invitae), Labcorp
Classification: Likely benign for Charcot-Marie-Tooth disease axonal type 2U; Severe early-onset pulmonary alveolar proteinosis due to MARS deficiency. Last evaluated: 2025-12-03. Review status: criteria provided, single submitter. Criteria: Invitae Variant Classification Sherloc (09022015). Collection method: clinical testing. Allele origin: germline.

PreventionGenetics, part of Exact Sciences
Classification: Likely benign for MARS1-related condition. Last evaluated: 2025-05-02. Review status: criteria provided, single submitter. Criteria: ACMG Guidelines, 2015. Collection method: clinical testing. Allele origin: germline.
Comment: This variant is classified as likely benign based on ACMG/AMP sequence variant interpretation guidelines (Richards et al. 2015 PMID: 25741868, with internal and published modifications).

Ambry Genetics
Classification: Likely benign. Last evaluated: 2019-07-11. Review status: criteria provided, single submitter. Criteria: Ambry Variant Classification Scheme 2023. Collection method: clinical testing. Allele origin: germline.

NM_004990.4(MARS1):c.915C>T (p.Thr305=)

Gene: MARS1 (methionyl-tRNA synthetase 1; plus strand). Cytogenetic location: 12q13.3.
Variant type: single nucleotide variant.
Coding change: c.915C>T on transcript NM_004990.4 (MANE Select); coding-DNA position 915, C replaced by T.
Protein change: p.Thr305=; no amino-acid change (threonine 305 retained).
Molecular consequence: synonymous variant.
Genome position (GRCh38, 1-based): chr12:57,498,447, C>T. VCF-style: chr12-57498447-C-T. GRCh37 (hg19) VCF-style: chr12-57892230-C-T.
Identifiers: ClinVar variation 542178 (VCV000542178.15), dbSNP rs199641659, ClinGen allele CA6650368.